The following is an entry in ClinVar:

ClinVar aggregate classification (germline): Uncertain significance (1 of 4 stars; one submission).

Conditions:
ADCY3-related disorder. Also called: ADCY3-related condition.

gnomAD v4.1: 51 of 1,614,108 alleles (0.0032%); highest among the groups gnomAD compares: Non-Finnish European, 0.0042%; no homozygotes.

Submission:

PreventionGenetics, part of Exact Sciences
Classification: Uncertain significance for ADCY3-related condition. Last evaluated: 2026-02-10. Review status: criteria provided, single submitter. Criteria: ACMG Guidelines, 2015. Collection method: clinical testing. Allele origin: germline.
Comment: The ADCY3 c.2389C>G variant is predicted to result in the amino acid substitution p.Pro797Ala. To our knowledge, this variant has not been reported in the literature or in a large population database, indicating this variant is rare. At this time, the clinical significance of this variant is uncertain due to the absence of conclusive functional and genetic evidence.

NM_004036.5(ADCY3):c.2389C>G (p.Pro797Ala)

Gene: ADCY3 (adenylate cyclase 3; minus strand). Cytogenetic location: 2p23.3.
Variant type: single nucleotide variant.
Coding change: c.2389C>G on transcript NM_004036.5 (MANE Select); coding-DNA position 2389, C replaced by G.
Protein change: p.Pro797Ala; replaces proline 797 with alanine.
Molecular consequence: missense variant. On other transcripts: intron variant (1).
Genome position (GRCh38, 1-based): chr2:24,827,945, G>C on the plus strand (C>G on the coding strand, the complement: ADCY3 is on the minus strand). VCF-style: chr2-24827945-G-C. GRCh37 (hg19) VCF-style: chr2-25050814-G-C.
Other names: c.2389C>G, p.Pro797Ala (NM_001320613.2, NM_001377132.1); c.2455C>G, p.Pro819Ala (NM_001377128.1); c.2251C>G, p.Pro751Ala (NM_001377129.1); c.1666C>G, p.Pro556Ala (NM_001377131.1); c.2172+2764C>G (NM_001377130.1); short protein forms P819A, P797A, P556A, P751A.
Identifiers: ClinVar variation 4977740 (VCV004977740.1).